The following is an entry in ClinVar:

ClinVar aggregate classification (germline): Uncertain significance (1 of 4 stars; one submission).

Allele frequency attached by ClinVar (database versions not stated): TOPMed below 0.00001; gnomAD 0.00001.
gnomAD v4.1: 3 of 1,541,920 alleles (0.00019%); highest among the groups gnomAD compares: Non-Finnish European, 0.00026%; no homozygotes.

Submission:

Labcorp Genetics (formerly Invitae), Labcorp
Classification: Uncertain significance. Last evaluated: 2022-10-05. Review status: criteria provided, single submitter. Criteria: Invitae Variant Classification Sherloc (09022015). Collection method: clinical testing. Allele origin: germline.
Comment: This sequence change replaces glycine, which is neutral and non-polar, with serine, which is neutral and polar, at codon 20 of the TNFSF11 protein (p.Gly20Ser). In summary, the available evidence is currently insufficient to determine the role of this variant in disease. Therefore, it has been classified as a Variant of Uncertain Significance. Algorithms developed to predict the effect of missense changes on protein structure and function output the following: SIFT: "Tolerated"; PolyPhen-2: "Benign"; Align-GVGD: "Class C0". The serine amino acid residue is found in multiple mammalian species, which suggests that this missense change does not adversely affect protein function. This variant has not been reported in the literature in individuals affected with TNFSF11-related conditions. This variant is not present in population databases (gnomAD no frequency).

NM_003701.4(TNFSF11):c.58G>A (p.Gly20Ser)

Genes: TNFSF11 (TNF superfamily member 11; plus strand), LOC130009662 (ATAC-STARR-seq lymphoblastoid silent region 5301; plus strand). Cytogenetic location: 13q14.11.
Variant type: single nucleotide variant.
Coding change: c.58G>A on transcript NM_003701.4 (MANE Select); coding-DNA position 58, G replaced by A.
Protein change: p.Gly20Ser; replaces glycine 20 with serine.
Molecular consequence: missense variant. On other transcripts: intron variant (1).
Genome position (GRCh38, 1-based): chr13:42,574,361, G>A. VCF-style: chr13-42574361-G-A. GRCh37 (hg19) VCF-style: chr13-43148497-G-A.
Other names: c.-1+2623G>A (NM_033012.4); short protein forms G20S.
Identifiers: ClinVar variation 1932149 (VCV001932149.5), dbSNP rs1389657001, ClinGen allele CA388214327.